The following is an entry in ClinVar:

ClinVar aggregate classification (germline): Uncertain significance (1 of 4 stars; one submission).

Submission:

Labcorp Genetics (formerly Invitae), Labcorp
Classification: Uncertain significance. Last evaluated: 2022-07-02. Review status: criteria provided, single submitter. Criteria: Invitae Variant Classification Sherloc (09022015). Collection method: clinical testing. Allele origin: germline.
Comment: This sequence change replaces glutamine, which is neutral and polar, with arginine, which is basic and polar, at codon 676 of the LRPPRC protein (p.Gln676Arg). This variant is not present in population databases (gnomAD no frequency). This variant has not been reported in the literature in individuals affected with LRPPRC-related conditions. Algorithms developed to predict the effect of missense changes on protein structure and function (SIFT, PolyPhen-2, Align-GVGD) all suggest that this variant is likely to be tolerated. In summary, the available evidence is currently insufficient to determine the role of this variant in disease. Therefore, it has been classified as a Variant of Uncertain Significance.

NM_133259.4(LRPPRC):c.2027A>G (p.Gln676Arg)

Gene: LRPPRC (leucine rich pentatricopeptide repeat containing; minus strand). Cytogenetic location: 2p21.
Variant type: single nucleotide variant.
Coding change: c.2027A>G on transcript NM_133259.4 (MANE Select); coding-DNA position 2027, A replaced by G.
Protein change: p.Gln676Arg; replaces glutamine 676 with arginine.
Molecular consequence: missense variant.
Genome position (GRCh38, 1-based): chr2:43,947,309, T>C on the plus strand (A>G on the coding strand, the complement: LRPPRC is on the minus strand). VCF-style: chr2-43947309-T-C. GRCh37 (hg19) VCF-style: chr2-44174448-T-C.
Other names: short protein forms Q676R.
Identifiers: ClinVar variation 2011113 (VCV002011113.1), dbSNP rs2466569543, ClinGen allele CA346675035.